The following is an entry in ClinVar:

ClinVar aggregate classification (germline): Likely benign (1 of 4 stars; one submission).

Allele frequency attached by ClinVar (database versions not stated): gnomAD 0.00330; TOPMed 0.00438; 1000 Genomes Project 0.00579; 1000 Genomes Project 30x 0.00625.
gnomAD v4.1: 1,178 of 1,266,018 alleles (0.093%); highest among the groups gnomAD compares: African/African-American, 1.3%; 6 homozygotes.

Submission:

GeneDx
Classification: Likely benign. Last evaluated: 2018-06-14. Review status: criteria provided, single submitter. Criteria: GeneDx Variant Classification (06012015). Collection method: clinical testing. Allele origin: germline. Affected: yes.
Comment: This variant is considered likely benign or benign based on one or more of the following criteria: it is a conservative change, it occurs at a poorly conserved position in the protein, it is predicted to be benign by multiple in silico algorithms, and/or has population frequency not consistent with disease.

NM_001999.4(FBN2):c.1849+96G>A

Gene: FBN2 (fibrillin 2; minus strand). Cytogenetic location: 5q23.3.
Variant type: single nucleotide variant.
Coding change: c.1849+96G>A on transcript NM_001999.4 (MANE Select); 96 bases into the intron after coding-DNA position 1849, G replaced by A.
Molecular consequence: intron variant.
Genome position (GRCh38, 1-based): chr5:128,377,656, C>T on the plus strand (G>A on the coding strand, the complement: FBN2 is on the minus strand). VCF-style: chr5-128377656-C-T. GRCh37 (hg19) VCF-style: chr5-127713349-C-T.
Identifiers: ClinVar variation 675207 (VCV000675207.1), dbSNP rs116773938, ClinGen allele CA127023671.